The following is an entry in ClinVar:

NM_001939.3(DRP2):c.1924A>G (p.Arg642Gly)

Gene: DRP2 (dystrophin related protein 2; plus strand). Cytogenetic location: Xq22.1.
Variant type: single nucleotide variant.
Coding change: c.1924A>G on transcript NM_001939.3 (MANE Select); coding-DNA position 1924, A replaced by G.
Protein change: p.Arg642Gly; replaces arginine 642 with glycine.
Molecular consequence: missense variant.
Genome position (GRCh38, 1-based): chrX:101,252,663, A>G. VCF-style: chrX-101252663-A-G. GRCh37 (hg19) VCF-style: chrX-100507652-A-G.
Other names: c.1690A>G, p.Arg564Gly (NM_001171184.2); short protein forms R642G, R564G.
Identifiers: ClinVar variation 1917850 (VCV001917850.5), dbSNP rs1232589749, ClinGen allele CA413933239.

ClinVar aggregate classification (germline): Uncertain significance (1 of 4 stars; one submission).

Allele frequency attached by ClinVar (database versions not stated): TOPMed below 0.00001; gnomAD exomes 0.00001; gnomAD 0.00002.
gnomAD v4.1: 8 of 1,210,478 alleles (0.00066%); highest among the groups gnomAD compares: Non-Finnish European, 0.00089%; no homozygotes.

Submission:

Labcorp Genetics (formerly Invitae), Labcorp
Classification: Uncertain significance. Last evaluated: 2023-06-04. Review status: criteria provided, single submitter. Criteria: Invitae Variant Classification Sherloc (09022015). Collection method: clinical testing. Allele origin: germline.
Comment: In summary, the available evidence is currently insufficient to determine the role of this variant in disease. Therefore, it has been classified as a Variant of Uncertain Significance. Advanced modeling of protein sequence and biophysical properties (such as structural, functional, and spatial information, amino acid conservation, physicochemical variation, residue mobility, and thermodynamic stability) performed at Invitae indicates that this missense variant is expected to disrupt DRP2 protein function. ClinVar contains an entry for this variant (Variation ID: 1917850). This variant has not been reported in the literature in individuals affected with DRP2-related conditions. This variant is present in population databases (no rsID available, gnomAD 0.003%). This sequence change replaces arginine, which is basic and polar, with glycine, which is neutral and non-polar, at codon 642 of the DRP2 protein (p.Arg642Gly).